The following is an entry in ClinVar:

NM_033028.5(BBS4):c.232C>T (p.Arg78Cys)

Gene: BBS4 (Bardet-Biedl syndrome 4; plus strand). Cytogenetic location: 15q24.1.
Variant type: single nucleotide variant.
Coding change: c.232C>T on transcript NM_033028.5 (MANE Select); coding-DNA position 232, C replaced by T.
Protein change: p.Arg78Cys; replaces arginine 78 with cysteine.
Molecular consequence: missense variant. On other transcripts: 5 prime UTR variant (1), non-coding transcript variant (2).
Genome position (GRCh38, 1-based): chr15:72,715,302, C>T. VCF-style: chr15-72715302-C-T. GRCh37 (hg19) VCF-style: chr15-73007643-C-T.
Other names: c.-290C>T (NM_001252678.2); c.232C>T, p.Arg78Cys (NM_001320665.2); short protein forms R78C.
Identifiers: ClinVar variation 567713 (VCV000567713.11), dbSNP rs145168232, ClinGen allele CA7646560.

ClinVar aggregate classification (germline): Uncertain significance. Review status: criteria provided, multiple submitters, no conflicts (2 of 4 stars). 2 submissions from 2 submitters: Uncertain significance (2). Last evaluated 2025-09-09.

Conditions:
BBS4-related disorder. Also called: BBS4-related condition.
Bardet-Biedl syndrome (BBS). Identifiers: Orphanet 110, MedGen C0752166, MONDO:0015229.

Allele frequency attached by ClinVar (database versions not stated): gnomAD 0.00001; gnomAD exomes 0.00001 and 0.00003; TOPMed 0.00002; ExAC 0.00004; ESP Exome Variant Server 0.00008.
gnomAD v4.1: 20 of 1,610,380 alleles (0.0012%); highest among the groups gnomAD compares: Admixed American, 0.0083%; no homozygotes.

Submissions (2):

PreventionGenetics, part of Exact Sciences
Classification: Uncertain significance for BBS4-related condition. Last evaluated: 2025-09-09. Review status: criteria provided, single submitter. Criteria: ACMG Guidelines, 2015. Collection method: clinical testing. Allele origin: germline.
Comment: The BBS4 c.232C>T variant is predicted to result in the amino acid substitution p.Arg78Cys. To our knowledge, this variant has not been reported in the literature. This variant is reported in 0.011% of alleles in individuals of Latino descent in gnomAD. At this time, the clinical significance of this variant is uncertain due to the absence of conclusive functional and genetic evidence.

Labcorp Genetics (formerly Invitae), Labcorp
Classification: Uncertain significance for Bardet-Biedl syndrome. Last evaluated: 2022-08-31. Review status: criteria provided, single submitter. Criteria: Invitae Variant Classification Sherloc (09022015). Collection method: clinical testing. Allele origin: germline.
Comment: This sequence change replaces arginine, which is basic and polar, with cysteine, which is neutral and slightly polar, at codon 78 of the BBS4 protein (p.Arg78Cys). This variant is present in population databases (rs145168232, gnomAD 0.01%). This missense change has been observed in individual(s) with clinical features of Bardet-Biedl syndrome (Invitae). In at least one individual the data is consistent with being in trans (on the opposite chromosome) from a pathogenic variant. ClinVar contains an entry for this variant (Variation ID: 567713). Algorithms developed to predict the effect of missense changes on protein structure and function (SIFT, PolyPhen-2, Align-GVGD) all suggest that this variant is likely to be disruptive. Algorithms developed to predict the effect of sequence changes on RNA splicing suggest that this variant may disrupt the consensus splice site. In summary, the available evidence is currently insufficient to determine the role of this variant in disease. Therefore, it has been classified as a Variant of Uncertain Significance.